The following is an entry in ClinVar:

NM_000152.5(GAA):c.1882G>C (p.Val628Leu)

Gene: GAA (alpha glucosidase; plus strand). Cytogenetic location: 17q25.3.
Variant type: single nucleotide variant.
Coding change: c.1882G>C on transcript NM_000152.5 (MANE Select); coding-DNA position 1882, G replaced by C.
Protein change: p.Val628Leu; replaces valine 628 with leucine.
Molecular consequence: missense variant.
Genome position (GRCh38, 1-based): chr17:80,112,705, G>C. VCF-style: chr17-80112705-G-C. GRCh37 (hg19) VCF-style: chr17-78086504-G-C.
Other names: c.1882G>C, p.Val628Leu (NM_001079803.3, NM_001079804.3, NM_001406741.1 and 1 more transcripts); short protein forms V628L.
Identifiers: ClinVar variation 1919279 (VCV001919279.2), dbSNP rs745911962, ClinGen allele CA8815506.

ClinVar aggregate classification (germline): Uncertain significance (1 of 4 stars; one submission).

Conditions:
Glycogen storage disease, type II (IOPD). Also called: Glucosidase acid-1,4-alpha deficiency; Pompe Disease; GLYCOGENOSIS, GENERALIZED, CARDIAC FORM; GSD II; POMPE DISEASE, INFANTILE-ONSET; GLYCOGEN STORAGE DISEASE II, INFANTILE-ONSET. Identifiers: Orphanet 365, MedGen C0017921, MONDO:0009290, OMIM 232300.

gnomAD v4.1: 3 of 1,607,462 alleles (0.00019%); highest among the groups gnomAD compares: Non-Finnish European, 0.00025%; no homozygotes.

Submission:

Labcorp Genetics (formerly Invitae), Labcorp
Classification: Uncertain significance for Glycogen storage disease, type II. Last evaluated: 2022-04-20. Review status: criteria provided, single submitter. Criteria: Invitae Variant Classification Sherloc (09022015). Collection method: clinical testing. Allele origin: germline.
Comment: This sequence change replaces valine, which is neutral and non-polar, with leucine, which is neutral and non-polar, at codon 628 of the GAA protein (p.Val628Leu). This variant is present in population databases (rs745911962, gnomAD 0.003%). This variant has not been reported in the literature in individuals affected with GAA-related conditions. Algorithms developed to predict the effect of missense changes on protein structure and function are either unavailable or do not agree on the potential impact of this missense change (SIFT: "Tolerated"; PolyPhen-2: "Possibly Damaging"; Align-GVGD: "Class C0"). In summary, the available evidence is currently insufficient to determine the role of this variant in disease. Therefore, it has been classified as a Variant of Uncertain Significance.